The following is an entry in ClinVar:

NM_198721.4(COL25A1):c.672+1G>A

Gene: COL25A1 (collagen type XXV alpha 1 chain; minus strand). Cytogenetic location: 4q25.
Variant type: single nucleotide variant.
Coding change: c.672+1G>A on transcript NM_198721.4 (MANE Select); the canonical splice donor site of the intron after coding-DNA position 672, G replaced by A.
Molecular consequence: splice donor variant.
Genome position (GRCh38, 1-based): chr4:108,940,538, C>T on the plus strand (G>A on the coding strand, the complement: COL25A1 is on the minus strand). VCF-style: chr4-108940538-C-T. GRCh37 (hg19) VCF-style: chr4-109861694-C-T.
Other names: c.672+1G>A (NM_032518.4); c.660+1G>A (NM_001256074.3).
Identifiers: ClinVar variation 1698993 (VCV001698993.3), dbSNP rs759316372, ClinGen allele CA3039695.
Genomic context (GRCh38, chr4:108,940,538, plus strand): 5'-GTTCTCAGCCCTTAACATGAAGCAAAACGTGTGAGAATAAGTGATCCAAAAAGCGACTCA[C>T]GGGTACTCCTGGCATTCCACGGGGGCCATCTTTCCCTGTGTCCCCAGGTGGCCCTCTTGG-3'

ClinVar aggregate classification (germline): Likely pathogenic (1 of 4 stars; one submission).

Conditions:
Fibrosis of extraocular muscles, congenital, 5 (CFEOM5). Identifiers: Orphanet 233, Orphanet 91411, MedGen C4015552, MONDO:0014538, OMIM 616219.

Allele frequency attached by ClinVar (database versions not stated): gnomAD exomes below 0.00001; TOPMed 0.00001; ExAC 0.00001; gnomAD 0.00001.
gnomAD v4.1: 7 of 1,612,624 alleles (0.00043%); highest among the groups gnomAD compares: South Asian, 0.0022%; no homozygotes.

Submission:

Victorian Clinical Genetics Services, Murdoch Childrens Research Institute
Classification: Likely pathogenic for Fibrosis of extraocular muscles, congenital, 5. Last evaluated: 2022-02-02. Review status: criteria provided, single submitter. Criteria: ACMG Guidelines, 2015. Collection method: clinical testing. Allele origin: germline. Inheritance: Autosomal recessive inheritance.
Comment: Based on the classification scheme VCGS_Germline_v1.3.4, this variant is classified as Likely pathogenic. Following criteria are met: 0102 - Loss of function is a known mechanism of disease in this gene and is associated with congenital fibrosis of extraocular muscles 5 (MIM#616219; PMID: 25500261, PMID: 31875546). (I) 0106 - This gene is associated with autosomal recessive disease. (I) 0211 - Canonical splice site variant without proven consequence on splicing (no functional evidence available). (SP) 0251 - This variant is heterozygous. (I) 0304 - Variant is present in gnomAD <0.01 for a recessive condition (2 heterozygotes, 0 homozygotes). (SP) 0311 - An alternative nucleotide change at the same canonical splice site, is present in gnomAD (v2; 2 heterozygotes, 0 homozygotes). (I) 0505 - Abnormal splicing is predicted by in silico tools and affected nucleotide is highly conserved. (SP) 0705 - No comparable canonical splice variants have previous evidence for pathogenicity. (I) 0807 - This variant has no previous evidence of pathogenicity. (I) 0905 - No published segregation evidence has been identified for this variant. (I) 1007 - No published functional evidence has been identified for this variant. (I) Legend: (SP) - Supporting pathogenic, (I) - Information, (SB) - Supporting benign

Literature cited by the submitters: PubMed 25500261; PubMed 31875546.